The following is an entry in ClinVar:

ClinVar aggregate classification (germline): Uncertain significance (1 of 4 stars; one submission).

Conditions:
Autosomal dominant nocturnal frontal lobe epilepsy 5. Also called: Epilepsy, nocturnal frontal lobe, 5; CILIARY DYSKINESIA, PRIMARY, 28, WITH SITUS INVERSUS; KCNT1-Related Epilepsy; CILIARY DYSKINESIA, PRIMARY, 28, WITHOUT SITUS INVERSUS. Identifiers: Orphanet 98784, MedGen C3554306, MONDO:0014002, OMIM 615005.
Developmental and epileptic encephalopathy, 14 (DEE14). Also called: Early infantile epileptic encephalopathy 14. Identifiers: Orphanet 293181, MedGen C3554195, MONDO:0013989, OMIM 614959.

Submission:

Labcorp Genetics (formerly Invitae), Labcorp
Classification: Uncertain significance for Autosomal dominant nocturnal frontal lobe epilepsy 5; Developmental and epileptic encephalopathy, 14. Last evaluated: 2022-11-07. Review status: criteria provided, single submitter. Criteria: Invitae Variant Classification Sherloc (09022015). Collection method: clinical testing. Allele origin: germline.
Comment: This sequence change creates a premature translational stop signal (p.Arg613Glyfs*116) in the KCNT1 gene. It is expected to result in an absent or disrupted protein product. However, the current clinical and genetic evidence is not sufficient to establish whether loss-of-function variants in KCNT1 cause disease. This variant is not present in population databases (gnomAD no frequency). This variant has not been reported in the literature in individuals affected with KCNT1-related conditions. This premature translational stop signal has been observed in at least one individual who was not affected with KCNT1-related conditions (Invitae). ClinVar contains an entry for this variant (Variation ID: 953236). In summary, the available evidence is currently insufficient to determine the role of this variant in disease. Therefore, it has been classified as a Variant of Uncertain Significance.

NM_020822.3(KCNT1):c.1833del (p.Arg613fs)

Gene: KCNT1 (potassium sodium-activated channel subfamily T member 1; plus strand). Cytogenetic location: 9q34.3.
Variant type: Deletion.
Coding change: c.1833del on transcript NM_020822.3 (MANE Select); coding-DNA position 1833, one base deleted (G; older notation c.1833delG).
Protein change: p.Arg613fs; shifts the reading frame from arginine 613.
Molecular consequence: frameshift variant.
Genome position (GRCh38, 1-based): chr9:135,770,920, G deleted; the last of 4 consecutive G bases (chr9:135,770,917-135,770,920); deleting any one gives the same sequence. VCF-style (leftmost placement, unchanged base first): chr9-135770916-CG-C. GRCh37 (hg19) VCF-style: chr9-138662762-CG-C.
Other names: c.1698del, p.Arg568fs (NM_001272003.2); short protein forms R568fs, R613fs.
Identifiers: ClinVar variation 953236 (VCV000953236.10), dbSNP rs1832711486, ClinGen allele CA1139661321.
Genomic context (GRCh38, chr9:135,770,916, plus strand): 5'-GGTATGGCGTGTGCCTCATCGGGCTGAAGCGGGAGGACAACAAGAGCATCCTGCTGAACC[CG>C]GGGCCCCGGCACATCCTGGCCGCCTCTGACACCTGCTTCTACATCAACATCACCAAGGAG-3'